The following is an entry in ClinVar:

NM_032776.3(JMJD1C):c.4036G>A (p.Ala1346Thr)

Gene: JMJD1C (jumonji domain containing 1C; minus strand). Cytogenetic location: 10q21.3.
Variant type: single nucleotide variant.
Coding change: c.4036G>A on transcript NM_032776.3 (MANE Select); coding-DNA position 4036, G replaced by A.
Protein change: p.Ala1346Thr; replaces alanine 1346 with threonine.
Molecular consequence: missense variant. On other transcripts: non-coding transcript variant (1).
Genome position (GRCh38, 1-based): chr10:63,207,633, C>T on the plus strand (G>A on the coding strand, the complement: JMJD1C is on the minus strand). VCF-style: chr10-63207633-C-T. GRCh37 (hg19) VCF-style: chr10-64967393-C-T.
Other names: c.3490G>A, p.Ala1164Thr (NM_001282948.2, NM_001318154.2); c.3172G>A, p.Ala1058Thr (NM_001318153.2); c.3922G>A, p.Ala1308Thr (NM_001322252.2); c.3379G>A, p.Ala1127Thr (NM_001322254.2, NM_001322258.2); short protein forms A1058T, A1127T, A1164T, A1308T, A1346T.
Identifiers: ClinVar variation 1016537 (VCV001016537.8), dbSNP rs750792303, ClinGen allele CA5518339.

ClinVar aggregate classification (germline): Uncertain significance (1 of 4 stars; one submission).

Conditions:
Early Myoclonic Encephalopathy. Identifiers: MedGen C0270855.

Allele frequency attached by ClinVar (database versions not stated): gnomAD 0.00001; ExAC 0.00002; gnomAD exomes 0.00001 and 0.00002.

Submission:

Labcorp Genetics (formerly Invitae), Labcorp
Classification: Uncertain significance for Early Myoclonic Encephalopathy. Last evaluated: 2020-07-21. Review status: criteria provided, single submitter. Criteria: Invitae Variant Classification Sherloc (09022015). Collection method: clinical testing. Allele origin: germline.
Comment: This variant is present in population databases (rs750792303, ExAC 0.003%). This variant has not been reported in the literature in individuals with JMJD1C-related conditions. Algorithms developed to predict the effect of missense changes on protein structure and function output the following: SIFT: "Tolerated"; PolyPhen-2: "Benign"; Align-GVGD: "Class C0". The threonine amino acid residue is found in multiple mammalian species, suggesting that this missense change does not adversely affect protein function. These predictions have not been confirmed by published functional studies and their clinical significance is uncertain. In summary, the available evidence is currently insufficient to determine the role of this variant in disease. Therefore, it has been classified as a Variant of Uncertain Significance. This sequence change replaces alanine with threonine at codon 1346 of the JMJD1C protein (p.Ala1346Thr). The alanine residue is moderately conserved and there is a small physicochemical difference between alanine and threonine.